The following is an entry in ClinVar:

ClinVar aggregate classification (germline): Pathogenic/Likely pathogenic. Review status: criteria provided, multiple submitters, no conflicts (2 of 4 stars). 3 submissions from 3 submitters: Pathogenic (1); Likely pathogenic (2). Last evaluated 2025-11-20.

Conditions:
Nemaline myopathy 2 (NEM2). Also called: Nemaline myopathy 2, autosomal recessive. Identifiers: MedGen C1850569, MONDO:0009725, OMIM 256030.

Submissions (3):

Natera, Inc.
Classification: Likely pathogenic for Nemaline myopathy type 2. Last evaluated: 2025-11-20. Review status: criteria provided, single submitter. Criteria: Natera Variant Classification Schema (03/2026). Collection method: clinical testing. Allele origin: germline.
Comment: The c.3843del variant in NEB is a frameshift variant predicted to shift the reading frame beginning at codon 1282 and leads to a stop codon 10 codons downstream. This variant is expected to result in nonsense mediated decay, truncation, or a dysfunctional protein product. This variant is rare in the general population with a frequency below the threshold expected for the associated phenotype(s). Given the available evidence, this variant is classified as Likely Pathogenic.

Myriad Genetics, Inc.
Classification: Likely pathogenic for Nemaline myopathy 2. Last evaluated: 2022-04-24. Review status: criteria provided, single submitter. Criteria: Myriad Women's Health Autosomal Recessive and X-Linked Classification Criteria (2021). Collection method: clinical testing. Allele origin: unknown.
Comment: NM_001271208.1(NEB):c.3843delT(L1282Sfs*10) is expected to be pathogenic in the context of NEB-related nemaline myopathy. This variant is predicted to lead to an abnormal or absent protein product due to the creation of a premature termination codon in NEB, a gene where loss-of-function variants are known to be pathogenic. Please note: this variant was assessed in the context of healthy population screening.

Labcorp Genetics (formerly Invitae), Labcorp
Classification: Pathogenic for Nemaline myopathy 2. Last evaluated: 2020-09-16. Review status: criteria provided, single submitter. Criteria: Invitae Variant Classification Sherloc (09022015). Collection method: clinical testing. Allele origin: germline.
Comment: For these reasons, this variant has been classified as Pathogenic. Loss-of-function variants in NEB are known to be pathogenic (PMID: 25205138). This variant has not been reported in the literature in individuals with NEB-related conditions. This variant is not present in population databases (ExAC no frequency). This sequence change creates a premature translational stop signal (p.Leu1282Serfs*10) in the NEB gene. It is expected to result in an absent or disrupted protein product.

Literature cited by the submitters: PubMed 25205138 (cited by Labcorp Genetics (formerly Invitae), Labcorp).

NM_001164508.2(NEB):c.3843del (p.Leu1282fs)

Gene: NEB (nebulin; minus strand). Cytogenetic location: 2q23.3.
Variant type: Deletion.
Coding change: c.3843del on transcript NM_001164508.2 (MANE Select); coding-DNA position 3843, one base deleted (T; older notation c.3843delT).
Protein change: p.Leu1282fs; shifts the reading frame from leucine 1282.
Molecular consequence: frameshift variant.
Genome position (GRCh38, 1-based): chr2:151,675,323, A deleted on the plus strand (T on the coding strand, the reverse complement: NEB is on the minus strand); the first of 3 consecutive A bases (chr2:151,675,323-151,675,325); deleting any one gives the same sequence. VCF-style (leftmost placement, unchanged base first): chr2-151675322-GA-G. GRCh37 (hg19) VCF-style: chr2-152531836-GA-G.
Other names: c.3843del, p.Leu1282fs (NM_001164507.2, NM_001271208.2, NM_004543.5); c.3843del (NM_001271208.1); short protein forms L1282fs.
Identifiers: ClinVar variation 1069319 (VCV001069319.10), dbSNP rs2154199737, ClinGen allele CA2499215120.